The following is an entry in ClinVar:

NM_000075.4(CDK4):c.194C>T (p.Ala65Val)

Genes: CDK4 (cyclin dependent kinase 4; minus strand), LOC130008148 (ATAC-STARR-seq lymphoblastoid silent region 4588; plus strand). Cytogenetic location: 12q14.1.
Variant type: single nucleotide variant.
Coding change: c.194C>T on transcript NM_000075.4 (MANE Select); coding-DNA position 194, C replaced by T.
Protein change: p.Ala65Val; replaces alanine 65 with valine.
Molecular consequence: missense variant.
Genome position (GRCh38, 1-based): chr12:57,751,524, G>A on the plus strand (C>T on the coding strand, the complement: CDK4 is on the minus strand). VCF-style: chr12-57751524-G-A. GRCh37 (hg19) VCF-style: chr12-58145307-G-A.
Other names: short protein forms A65V.
Identifiers: ClinVar variation 1783195 (VCV001783195.3), dbSNP rs200213586, ClinGen allele CA6657876.

ClinVar aggregate classification (germline): Uncertain significance (1 of 4 stars; one submission).

Conditions:
Hereditary cancer-predisposing syndrome. Also called: Neoplastic Syndromes, Hereditary; Tumor predisposition; Hereditary Cancer Syndrome; Hereditary neoplastic syndrome. Identifiers: Orphanet 140162, MedGen C0027672, MeSH D009386, MONDO:0015356.

Allele frequency attached by ClinVar (database versions not stated): ExAC 0.00001; gnomAD 0.00001; 1000 Genomes Project 30x 0.00016; 1000 Genomes Project 0.00020.
gnomAD v4.1: 5 of 1,614,050 alleles (0.00031%); highest among the groups gnomAD compares: East Asian, 0.011%; no homozygotes.

Submission:

Ambry Genetics
Classification: Uncertain significance for Hereditary cancer-predisposing syndrome. Last evaluated: 2025-11-11. Review status: criteria provided, single submitter. Criteria: Ambry Variant Classification Scheme 2023. Collection method: clinical testing. Allele origin: germline.
Comment: The p.A65V variant (also known as c.194C>T), located in coding exon 1 of the CDK4 gene, results from a C to T substitution at nucleotide position 194. The alanine at codon 65 is replaced by valine, an amino acid with similar properties. This amino acid position is not well conserved in available vertebrate species. In addition, this alteration is predicted to be tolerated by in silico analysis. Since supporting evidence is limited at this time, the clinical significance of this alteration remains unclear.